The following is an entry in ClinVar:

NM_022166.4(XYLT1):c.1683_1712dup (p.Asp570_Trp571insCysLysCysGlnTyrLysHisIleValAsp)

Genes: XYLT1 (xylosyltransferase 1; minus strand), LOC102723692 (uncharacterized LOC102723692; plus strand). Cytogenetic location: 16p12.3.
Variant type: Duplication.
Coding change: c.1683_1712dup on transcript NM_022166.4 (MANE Select); coding-DNA positions 1683 to 1712, 30 bases duplicated (CAAGTGCCAGTACAAGCACATCGTGGACTG).
Protein change: p.Asp570_Trp571insCysLysCysGlnTyrLysHisIleValAsp.
Molecular consequence: inframe insertion. On other transcripts: non-coding transcript variant (1).
Genome position (GRCh38, 1-based): chr16:17,138,407-17,138,436, CAGTCCACGATGTGCTTGTACTGGCACTTG duplicated on the plus strand (CAAGTGCCAGTACAAGCACATCGTGGACTG on the coding strand, the reverse complement: XYLT1 is on the minus strand); duplicating any 30 consecutive bases within chr16:17,138,407-17,138,439 gives the same sequence; the c. name uses the placement nearest the transcript's 3' end. VCF-style (leftmost placement, unchanged base first): chr16-17138406-C-CCAGTCCACGATGTGCTTGTACTGGCACTTG. GRCh37 (hg19) VCF-style: chr16-17232263-C-CCAGTCCACGATGTGCTTGTACTGGCACTTG.
Identifiers: ClinVar variation 2237790 (VCV002237790.2), dbSNP rs2506178485, ClinGen allele CA2580090800.

ClinVar aggregate classification (germline): Uncertain significance (1 of 4 stars; one submission).

Conditions:
Inborn genetic diseases. Identifiers: MedGen C0950123, MeSH D030342.

Submission:

Ambry Genetics
Classification: Uncertain significance for Inborn genetic diseases. Last evaluated: 2021-08-23. Review status: criteria provided, single submitter. Criteria: Ambry Variant Classification Scheme 2023. Collection method: clinical testing. Allele origin: germline.
Comment: The c.1683_1712dupCAAGTGCCAGTACAAGCACATCGTGGACTG (p.C561_D570dup) alteration is located in exon 8 (coding exon 8) of the XYLT1 gene. The alteration consists of an in-frame duplication of 30 nucleotides from position 1683 to 1712, resulting in the duplication of 10 residues. Based on insufficient or conflicting evidence, the clinical significance of this alteration remains unclear.